The following is an entry in ClinVar:

ClinVar aggregate classification (germline): Conflicting classifications of pathogenicity. Review status: criteria provided, conflicting classifications (1 of 4 stars). 7 submissions from 6 submitters: Uncertain significance (4); Likely benign (1). 2 of the submissions do not count toward it. Last evaluated 2025-11-18.

Conditions:
Adams-Oliver syndrome 5 (AOS5). Identifiers: Orphanet 974, MedGen C4014970, MONDO:0014459, OMIM 616028.
Familial thoracic aortic aneurysm and aortic dissection (TAAD). Also called: Thoracic aortic aneurysms and dissections. Identifiers: Orphanet 91387, MedGen C4707243, MONDO:0019625.
Aortic valve disease 1 (AOVD1). Identifiers: MedGen C3887892, MONDO:0024523, OMIM 109730.

Allele frequency attached by ClinVar (database versions not stated): gnomAD exomes 0.00001; TOPMed 0.00002; gnomAD 0.00003 and 0.00004.
gnomAD v4.1: 17 of 1,612,670 alleles (0.0011%); highest among the groups gnomAD compares: Non-Finnish European, 0.0014%; no homozygotes.

Submissions (7):

Labcorp Genetics (formerly Invitae), Labcorp
Classification: Likely benign for Adams-Oliver syndrome 5. Last evaluated: 2025-11-18. Review status: criteria provided, single submitter. Criteria: Invitae Variant Classification Sherloc (09022015). Collection method: clinical testing. Allele origin: germline.

GeneDx
Classification: Uncertain significance. Last evaluated: 2025-03-17. Review status: criteria provided, single submitter. Criteria: GeneDx Variant Classification Process June 2021. Collection method: clinical testing. Allele origin: germline. Affected: yes.
Comment: Observed in a blood or bone marrow sample from a patient with leukemia (PMID: 24113472); Not observed at significant frequency in large population cohorts (gnomAD); In silico analysis supports that this missense variant has a deleterious effect on protein structure/function; This variant is associated with the following publications: (PMID: 24113472)

Genome-Nilou Lab
Classification: Uncertain significance for Adams-Oliver syndrome 5. Last evaluated: 2022-03-15. Review status: criteria provided, single submitter. Criteria: ACMG Guidelines, 2015. Collection method: clinical testing. Allele origin: germline. Affected: no.

Genome-Nilou Lab
Classification: Uncertain significance for Aortic valve disease 1. Last evaluated: 2022-03-15. Review status: criteria provided, single submitter. Criteria: ACMG Guidelines, 2015. Collection method: clinical testing. Allele origin: germline. Affected: no.

CHEO Genetics Diagnostic Laboratory, Children's Hospital of Eastern Ontario
Classification: Uncertain significance for Familial thoracic aortic aneurysm and aortic dissection. Last evaluated: 2020-08-21. Review status: criteria provided, single submitter. Criteria: ACMG Guidelines, 2015. Collection method: clinical testing. Allele origin: germline.

Clinical Genetics DNA and cytogenetics Diagnostics Lab, Erasmus MC, Erasmus Medical Center
Classification: Uncertain significance. Review status: no assertion criteria provided. Collection method: clinical testing. Allele origin: germline. Affected: yes. Study: VKGL Data-share Consensus. Not counted in ClinVar's aggregate classification.

Diagnostic Laboratory, Department of Genetics, University Medical Center Groningen
Classification: Uncertain significance. Review status: no assertion criteria provided. Collection method: clinical testing. Allele origin: germline. Affected: yes. Study: VKGL Data-share Consensus. Not counted in ClinVar's aggregate classification.

NM_017617.5(NOTCH1):c.6577A>G (p.Ser2193Gly)

Gene: NOTCH1 (notch receptor 1; minus strand). Cytogenetic location: 9q34.3.
Variant type: single nucleotide variant.
Coding change: c.6577A>G on transcript NM_017617.5 (MANE Select); coding-DNA position 6577, A replaced by G.
Protein change: p.Ser2193Gly; replaces serine 2193 with glycine.
Molecular consequence: missense variant.
Genome position (GRCh38, 1-based): chr9:136,497,162, T>C on the plus strand (A>G on the coding strand, the complement: NOTCH1 is on the minus strand). VCF-style: chr9-136497162-T-C. GRCh37 (hg19) VCF-style: chr9-139391614-T-C.
Other names: c.6577A>G, p.Ser2193Gly (LRG_1122t1); short protein forms S2193G.
Identifiers: ClinVar variation 409045 (VCV000409045.14), dbSNP rs1060502236, ClinGen allele CA16612810.